The following is an entry in ClinVar:

ClinVar aggregate classification (germline): Likely pathogenic (1 of 4 stars; one submission).

Conditions:
Progressive familial intrahepatic cholestasis type 2. Identifiers: Orphanet 79304, MedGen C3489789, MONDO:0011156, OMIM 601847.

Submission:

Natera, Inc.
Classification: Likely pathogenic for Progressive familial intrahepatic cholestasis type 2. Last evaluated: 2024-09-25. Review status: criteria provided, single submitter. Criteria: Natera Variant Classification Schema (03/2026). Collection method: clinical testing. Allele origin: germline.
Comment: The c.3156dupT variant in ABCB11 is a frameshift variant predicted to shift the reading frame beginning at codon 1053 and leads to a stop codon 17 codons downstream. This variant is expected to result in nonsense mediated decay, truncation, or a dysfunctional protein product. This variant is rare in the general population with a frequency below the threshold expected for the associated phenotype(s). Given the available evidence, this variant is classified as Likely Pathogenic.

NM_003742.4(ABCB11):c.3156dup (p.Gln1053fs)

Gene: ABCB11 (ATP binding cassette subfamily B member 11; minus strand). Cytogenetic location: 2q31.1.
Variant type: Duplication.
Coding change: c.3156dup on transcript NM_003742.4 (MANE Select); coding-DNA position 3156, one base duplicated (T; older notation c.3156dupT).
Protein change: p.Gln1053fs; shifts the reading frame from glutamine 1053.
Molecular consequence: frameshift variant.
Genome position (GRCh38, 1-based): chr2:168,932,434, A duplicated on the plus strand (T on the coding strand, the reverse complement: ABCB11 is on the minus strand); the first of 6 consecutive A bases (chr2:168,932,434-168,932,439); duplicating any one gives the same sequence. VCF-style (leftmost placement, unchanged base first): chr2-168932433-G-GA. GRCh37 (hg19) VCF-style: chr2-169788943-G-GA.
Other names: c.3156dupT (NM_003742.4); short protein forms Q1053fs.
Identifiers: ClinVar variation 4815274 (VCV004815274.1).
Genomic context (GRCh38, chr2:168,932,433, plus strand): 5'-TTACCCATTTTTCACCTGCAGTATTGTATACACTGATTGGGGGTTGTCGGTCCAGCAGTT[G>GA]AAAAAAGCGTGCAGCTGATATTTTAGCTTTTGCATAACTTGGGGTGTAAGAGAAGGCTCT-3'